The following is an entry in ClinVar:

NM_206937.2(LIG4):c.1918A>T (p.Ile640Phe)

Gene: LIG4 (DNA ligase 4; minus strand). Cytogenetic location: 13q33.3.
Variant type: single nucleotide variant.
Coding change: c.1918A>T on transcript NM_206937.2 (MANE Select); coding-DNA position 1918, A replaced by T.
Protein change: p.Ile640Phe; replaces isoleucine 640 with phenylalanine.
Molecular consequence: missense variant.
Genome position (GRCh38, 1-based): chr13:108,209,351, T>A on the plus strand (A>T on the coding strand, the complement: LIG4 is on the minus strand). VCF-style: chr13-108209351-T-A. GRCh37 (hg19) VCF-style: chr13-108861699-T-A.
Other names: c.1918A>T, p.Ile640Phe (NM_001098268.2, NM_001352598.2, NM_001352599.2 and 6 more transcripts); c.1717A>T, p.Ile573Phe (NM_001330595.2); c.1954A>T, p.Ile652Phe (NM_001352604.2); short protein forms I640F, I652F, I573F.
Identifiers: ClinVar variation 1041190 (VCV001041190.8), dbSNP rs1404206174, ClinGen allele CA388615397.

ClinVar aggregate classification (germline): Uncertain significance (1 of 4 stars; one submission).

Conditions:
DNA ligase IV deficiency. Identifiers: Orphanet 99812, MedGen C1847827, MONDO:0011686, OMIM 606593.

Submission:

Labcorp Genetics (formerly Invitae), Labcorp
Classification: Uncertain significance for DNA ligase IV deficiency. Last evaluated: 2023-11-27. Review status: criteria provided, single submitter. Criteria: Invitae Variant Classification Sherloc (09022015). Collection method: clinical testing. Allele origin: germline.
Comment: This sequence change replaces isoleucine, which is neutral and non-polar, with phenylalanine, which is neutral and non-polar, at codon 640 of the LIG4 protein (p.Ile640Phe). This variant is not present in population databases (gnomAD no frequency). This variant has not been reported in the literature in individuals affected with LIG4-related conditions. ClinVar contains an entry for this variant (Variation ID: 1041190). Advanced modeling of protein sequence and biophysical properties (such as structural, functional, and spatial information, amino acid conservation, physicochemical variation, residue mobility, and thermodynamic stability) has been performed at Invitae for this missense variant, however the output from this modeling did not meet the statistical confidence thresholds required to predict the impact of this variant on LIG4 protein function. In summary, the available evidence is currently insufficient to determine the role of this variant in disease. Therefore, it has been classified as a Variant of Uncertain Significance.